The following is an entry in ClinVar:

ClinVar aggregate classification (germline): Uncertain significance (1 of 4 stars; one submission).

Allele frequency attached by ClinVar (database versions not stated): gnomAD 0.00001; gnomAD exomes 0.00002 and 0.00005; TOPMed 0.00003; ExAC 0.00004; ESP Exome Variant Server 0.00015.
gnomAD v4.1: 36 of 1,614,106 alleles (0.0022%); highest among the groups gnomAD compares: Non-Finnish European, 0.0029%; no homozygotes.

Submission:

Labcorp Genetics (formerly Invitae), Labcorp
Classification: Uncertain significance. Last evaluated: 2024-12-16. Review status: criteria provided, single submitter. Criteria: Invitae Variant Classification Sherloc (09022015). Collection method: clinical testing. Allele origin: germline.
Comment: This sequence change replaces arginine, which is basic and polar, with histidine, which is basic and polar, at codon 467 of the OTOA protein (p.Arg467His). This variant is present in population databases (rs376997763, gnomAD 0.009%). This variant has not been reported in the literature in individuals affected with OTOA-related conditions. ClinVar contains an entry for this variant (Variation ID: 1432715). An algorithm developed to predict the effect of missense changes on protein structure and function outputs the following: PolyPhen-2: "Benign". The histidine amino acid residue is found in multiple mammalian species, which suggests that this missense change does not adversely affect protein function. In summary, the available evidence is currently insufficient to determine the role of this variant in disease. Therefore, it has been classified as a Variant of Uncertain Significance.

NM_144672.4(OTOA):c.1400G>A (p.Arg467His)

Gene: OTOA (otoancorin). Cytogenetic location: 16p12.2.
Variant type: single nucleotide variant.
Coding change: c.1400G>A on transcript NM_144672.4 (MANE Select); coding-DNA position 1400, G replaced by A.
Protein change: p.Arg467His; replaces arginine 467 with histidine.
Molecular consequence: missense variant.
Genome position (GRCh38, 1-based): chr16:21,715,064, G>A. VCF-style: chr16-21715064-G-A. GRCh37 (hg19) VCF-style: chr16-21726385-G-A.
Other names: c.1163G>A, p.Arg388His (NM_001161683.2); c.428G>A, p.Arg143His (NM_170664.3); short protein forms R467H, R388H, R143H.
Identifiers: ClinVar variation 1432715 (VCV001432715.7), dbSNP rs376997763, ClinGen allele CA7952621.